The following is an entry in ClinVar:

ClinVar aggregate classification (germline): Uncertain significance. Review status: criteria provided, multiple submitters, no conflicts (2 of 4 stars). 2 submissions from 2 submitters: Uncertain significance (2). Last evaluated 2025-01-16.

Conditions:
Neurofibromatosis, type 1 (NF1). Also called: NEUROFIBROMATOSIS, TYPE I, SOMATIC; Neurofibromatosis, type I; Peripheral type neurofibromatosis; VON RECKLINGHAUSEN DISEASE. Identifiers: Orphanet 636, MedGen C0027831, MONDO:0018975, OMIM 162200. Disease mechanism: loss of function.
Hereditary cancer-predisposing syndrome. Also called: Hereditary Cancer Syndrome; Hereditary neoplastic syndrome; Neoplastic Syndromes, Hereditary; Tumor predisposition. Identifiers: Orphanet 140162, MedGen C0027672, MeSH D009386, MONDO:0015356.
Cardiovascular phenotype. Identifiers: MedGen CN230736.

Submissions (2):

Labcorp Genetics (formerly Invitae), Labcorp
Classification: Uncertain significance for Neurofibromatosis, type 1. Last evaluated: 2025-01-16. Review status: criteria provided, single submitter. Criteria: Invitae Variant Classification Sherloc (09022015). Collection method: clinical testing. Allele origin: germline.
Comment: This sequence change replaces valine, which is neutral and non-polar, with aspartic acid, which is acidic and polar, at codon 2268 of the NF1 protein (p.Val2268Asp). This variant is not present in population databases (gnomAD no frequency). This variant has not been reported in the literature in individuals affected with NF1-related conditions. Invitae Evidence Modeling of protein sequence and biophysical properties (such as structural, functional, and spatial information, amino acid conservation, physicochemical variation, residue mobility, and thermodynamic stability) has been performed for this missense variant. However, the output from this modeling did not meet the statistical confidence thresholds required to predict the impact of this variant on NF1 protein function. In summary, the available evidence is currently insufficient to determine the role of this variant in disease. Therefore, it has been classified as a Variant of Uncertain Significance.

Ambry Genetics
Classification: Uncertain significance for Cardiovascular phenotype; Hereditary cancer-predisposing syndrome. Last evaluated: 2024-10-29. Review status: criteria provided, single submitter. Criteria: Ambry Variant Classification Scheme 2023. Collection method: clinical testing. Allele origin: germline.
Comment: The p.V2268D variant (also known as c.6803T>A), located in coding exon 45 of the NF1 gene, results from a T to A substitution at nucleotide position 6803. The valine at codon 2268 is replaced by aspartic acid, an amino acid with highly dissimilar properties. This amino acid position is conserved. In addition, the in silico prediction for this alteration is inconclusive. Based on the available evidence, the clinical significance of this variant remains unclear.

NM_001042492.3(NF1):c.6866T>A (p.Val2289Asp)

Gene: NF1 (neurofibromin 1; plus strand). Cytogenetic location: 17q11.2.
Variant type: single nucleotide variant.
Coding change: c.6866T>A on transcript NM_001042492.3 (MANE Select); coding-DNA position 6866, T replaced by A.
Protein change: p.Val2289Asp; replaces valine 2289 with aspartic acid.
Molecular consequence: missense variant.
Genome position (GRCh38, 1-based): chr17:31,338,750, T>A. VCF-style: chr17-31338750-T-A. GRCh37 (hg19) VCF-style: chr17-29665768-T-A.
Other names: c.6803T>A, p.Val2268Asp (NM_000267.4); short protein forms V2289D, V2268D.
Identifiers: ClinVar variation 3404888 (VCV003404888.3).